The following is an entry in ClinVar:

NM_024494.3(WNT2B):c.49C>T (p.Arg17Cys)

Genes: WNT2B (Wnt family member 2B; plus strand), LOC122094899 (Sharpr-MPRA regulatory region 8072; plus strand), LOC129931208 (ATAC-STARR-seq lymphoblastoid silent region 1200; plus strand). Cytogenetic location: 1p13.2.
Variant type: single nucleotide variant.
Coding change: c.49C>T on transcript NM_024494.3 (MANE Select); coding-DNA position 49, C replaced by T.
Protein change: p.Arg17Cys; replaces arginine 17 with cysteine.
Molecular consequence: missense variant. On other transcripts: intron variant (2).
Genome position (GRCh38, 1-based): chr1:112,509,311, C>T. VCF-style: chr1-112509311-C-T. GRCh37 (hg19) VCF-style: chr1-113051933-C-T.
Other names: c.126-5563C>T (NM_004185.4); c.-94-5563C>T (NM_001291880.1); short protein forms R17C.
Identifiers: ClinVar variation 1971329 (VCV001971329.2), dbSNP rs201895225, ClinGen allele CA1008158.

ClinVar aggregate classification (germline): Uncertain significance (1 of 4 stars; one submission).

Allele frequency attached by ClinVar (database versions not stated): gnomAD 0.00038; TOPMed 0.00044; ExAC 0.00092; gnomAD exomes 0.00023; ESP Exome Variant Server 0.00026.
gnomAD v4.1: 400 of 1,564,520 alleles (0.026%); highest among the groups gnomAD compares: Middle Eastern, 0.46%; 1 homozygote.

Submission:

Labcorp Genetics (formerly Invitae), Labcorp
Classification: Uncertain significance. Last evaluated: 2022-10-05. Review status: criteria provided, single submitter. Criteria: Invitae Variant Classification Sherloc (09022015). Collection method: clinical testing. Allele origin: germline.
Comment: This sequence change replaces arginine, which is basic and polar, with cysteine, which is neutral and slightly polar, at codon 17 of the WNT2B protein (p.Arg17Cys). This variant is present in population databases (rs201895225, gnomAD 0.2%). This variant has not been reported in the literature in individuals affected with WNT2B-related conditions. Algorithms developed to predict the effect of missense changes on protein structure and function are either unavailable or do not agree on the potential impact of this missense change (SIFT: "Deleterious"; PolyPhen-2: "Possibly Damaging"; Align-GVGD: "Class C0"). In summary, the available evidence is currently insufficient to determine the role of this variant in disease. Therefore, it has been classified as a Variant of Uncertain Significance.